The following is an entry in ClinVar:

NM_001003722.2(GLE1):c.321+2T>G

Gene: GLE1 (GLE1 RNA export mediator; plus strand). Cytogenetic location: 9q34.11.
Variant type: single nucleotide variant.
Coding change: c.321+2T>G on transcript NM_001003722.2 (MANE Select); the canonical splice donor site of the intron after coding-DNA position 321, T replaced by G.
Molecular consequence: splice donor variant.
Genome position (GRCh38, 1-based): chr9:128,509,099, T>G. VCF-style: chr9-128509099-T-G. GRCh37 (hg19) VCF-style: chr9-131271378-T-G.
Other names: c.321+2T>G (NM_001499.2, NM_001411013.1).
Identifiers: ClinVar variation 1067708 (VCV001067708.7), dbSNP rs1690677282, ClinGen allele CA375056836.
Genomic context (GRCh38, chr9:128,509,099, plus strand): 5'-CTCCTGACGCAAGCTCTGCCTTTTCCCCAGCCTCCCCTGCAACACCAAATGGAACCAAGG[T>G]AAGGTTGTGATCAGCTTAAGACAAAAGACATGGTGGCTGCAAAGTCAAAATGTTTAATAT-3'

ClinVar aggregate classification (germline): Likely pathogenic (1 of 4 stars; one submission).

Submission:

Labcorp Genetics (formerly Invitae), Labcorp
Classification: Likely pathogenic. Last evaluated: 2020-07-23. Review status: criteria provided, single submitter. Criteria: Invitae Variant Classification Sherloc (09022015). Collection method: clinical testing. Allele origin: germline.
Comment: Donor and acceptor splice site variants typically lead to a loss of protein function (PMID: 16199547), and loss-of-function variants in GLE1 are known to be pathogenic (PMID: 18204449, 24243016, 27684565). This sequence change affects a donor splice site in intron 2 of the GLE1 gene. It is expected to disrupt RNA splicing and likely results in an absent or disrupted protein product. This variant is not present in population databases (ExAC no frequency). This variant has not been reported in the literature in individuals with GLE1-related conditions. Algorithms developed to predict the effect of sequence changes on RNA splicing suggest that this variant may disrupt the consensus splice site, but this prediction has not been confirmed by published transcriptional studies. In summary, the currently available evidence indicates that the variant is pathogenic, but additional data are needed to prove that conclusively. Therefore, this variant has been classified as Likely Pathogenic.

Literature cited by the submitters: PubMed 16199547; PubMed 18204449; PubMed 24243016; PubMed 27684565.